The following is an entry in ClinVar:

NM_001035.3(RYR2):c.10935+100A>G

Gene: RYR2 (ryanodine receptor 2; plus strand). Cytogenetic location: 1q43.
Variant type: single nucleotide variant.
Coding change: c.10935+100A>G on transcript NM_001035.3 (MANE Select); 100 bases into the intron after coding-DNA position 10935, A replaced by G.
Molecular consequence: intron variant.
Genome position (GRCh38, 1-based): chr1:237,730,456, A>G. VCF-style: chr1-237730456-A-G. GRCh37 (hg19) VCF-style: chr1-237893756-A-G.
Identifiers: ClinVar variation 675983 (VCV000675983.1), dbSNP rs114096380, ClinGen allele CA39809818.

ClinVar aggregate classification (germline): Likely benign (1 of 4 stars; one submission).

Allele frequency attached by ClinVar (database versions not stated): gnomAD exomes 0.00065; gnomAD 0.00573 and 0.00611; 1000 Genomes Project 0.00599; 1000 Genomes Project 30x 0.00640; TOPMed 0.00653.
gnomAD v4.1: 1,188 of 632,454 alleles (0.19%); highest among the groups gnomAD compares: African/African-American, 1.9%; 12 homozygotes.

Submission:

GeneDx
Classification: Likely benign. Last evaluated: 2018-06-14. Review status: criteria provided, single submitter. Criteria: GeneDx Variant Classification (06012015). Collection method: clinical testing. Allele origin: germline. Affected: yes.
Comment: This variant is considered likely benign or benign based on one or more of the following criteria: it is a conservative change, it occurs at a poorly conserved position in the protein, it is predicted to be benign by multiple in silico algorithms, and/or has population frequency not consistent with disease.